The following is an entry in ClinVar:

NM_004082.5(DCTN1):c.1867C>T (p.Arg623Trp)

Gene: DCTN1 (dynactin subunit 1; minus strand). Cytogenetic location: 2p13.1.
Variant type: single nucleotide variant.
Coding change: c.1867C>T on transcript NM_004082.5 (MANE Select); coding-DNA position 1867, C replaced by T.
Protein change: p.Arg623Trp; replaces arginine 623 with tryptophan.
Molecular consequence: missense variant. On other transcripts: non-coding transcript variant (1).
Genome position (GRCh38, 1-based): chr2:74,368,119, G>A on the plus strand (C>T on the coding strand, the complement: DCTN1 is on the minus strand). VCF-style: chr2-74368119-G-A. GRCh37 (hg19) VCF-style: chr2-74595246-G-A.
Other names: c.1807C>T, p.Arg603Trp (NM_001135040.3); c.1465C>T, p.Arg489Trp (NM_001135041.3, NM_023019.4); c.1756C>T, p.Arg586Trp (NM_001190836.2); c.1846C>T, p.Arg616Trp (NM_001190837.2); c.1816C>T, p.Arg606Trp (NM_001378991.1); c.1798C>T, p.Arg600Trp (NM_001378992.1); short protein forms R603W, R606W, R616W, R586W, R489W, R600W, R623W.
Identifiers: ClinVar variation 941726 (VCV000941726.11), dbSNP rs764568642, ClinGen allele CA50475310.

ClinVar aggregate classification (germline): Uncertain significance. Review status: criteria provided, multiple submitters, no conflicts (2 of 4 stars). 2 submissions from 2 submitters: Uncertain significance (2). Last evaluated 2024-08-01.

Conditions:
Inborn genetic diseases. Identifiers: MedGen C0950123, MeSH D030342.
Amyotrophic lateral sclerosis type 1 (ALS1). Also called: AMYOTROPHIC LATERAL SCLEROSIS 1, FAMILIAL. Identifiers: Orphanet 803, MedGen C1862939, MONDO:0007103, OMIM 105400.
Perry syndrome. Also called: PARKINSONISM WITH ALVEOLAR HYPOVENTILATION AND MENTAL DEPRESSION. Identifiers: Orphanet 178509, MedGen C1868594, MONDO:0008201, OMIM 168605.
Neuronopathy, distal hereditary motor, type 7B. Also called: Distal Hereditary Motor Neuronopathy Type 7B (dHMN7B); NEURONOPATHY, DISTAL HEREDITARY MOTOR, AUTOSOMAL DOMINANT 14; NEURONOPATHY, DISTAL HEREDITARY MOTOR, HARDING TYPE VIIB; NEUROPATHY, DISTAL HEREDITARY MOTOR, HARDING TYPE VIIB; NEUROPATHY, DISTAL HEREDITARY MOTOR, WITH VOCAL CORD PARALYSIS, HARDING TYPE VIIB; HMN VIIB. Identifiers: Orphanet 139589, MedGen C1843315, MONDO:0011879, OMIM 607641.

Allele frequency attached by ClinVar (database versions not stated): gnomAD 0.00001; TOPMed 0.00001.

Submissions (2):

Labcorp Genetics (formerly Invitae), Labcorp
Classification: Uncertain significance for Amyotrophic lateral sclerosis type 1; Neuronopathy, distal hereditary motor, type 7B; Perry syndrome. Last evaluated: 2024-08-01. Review status: criteria provided, single submitter. Criteria: Invitae Variant Classification Sherloc (09022015). Collection method: clinical testing. Allele origin: germline.
Comment: This sequence change replaces arginine, which is basic and polar, with tryptophan, which is neutral and slightly polar, at codon 623 of the DCTN1 protein (p.Arg623Trp). This variant is present in population databases (no rsID available, gnomAD 0.01%). This missense change has been observed in individual(s) with amyotrophic lateral sclerosis (PMID: 28792508). ClinVar contains an entry for this variant (Variation ID: 941726). Advanced modeling of protein sequence and biophysical properties (such as structural, functional, and spatial information, amino acid conservation, physicochemical variation, residue mobility, and thermodynamic stability) performed at Invitae indicates that this missense variant is not expected to disrupt DCTN1 protein function with a negative predictive value of 80%. In summary, the available evidence is currently insufficient to determine the role of this variant in disease. Therefore, it has been classified as a Variant of Uncertain Significance.

Ambry Genetics
Classification: Uncertain significance for Inborn genetic diseases. Last evaluated: 2023-06-12. Review status: criteria provided, single submitter. Criteria: Ambry Variant Classification Scheme 2023. Collection method: clinical testing. Allele origin: germline.

Literature cited by the submitters: PubMed 28792508 (cited by Labcorp Genetics (formerly Invitae), Labcorp and Ambry Genetics).